The following is an entry in ClinVar:

ClinVar aggregate classification (germline): Uncertain significance (1 of 4 stars; one submission).

Conditions:
WDFY3-related disorder.

Submission:

PreventionGenetics, part of Exact Sciences
Classification: Uncertain significance for WDFY3-related condition. Last evaluated: 2025-04-23. Review status: criteria provided, single submitter. Criteria: ACMG Guidelines, 2015. Collection method: clinical testing. Allele origin: germline.
Comment: The WDFY3 c.3344C>A variant is predicted to result in the amino acid substitution p.Pro1115Gln. To our knowledge, this variant has not been reported in the literature or in a large population database (gnomAD), indicating this variant is rare. At this time, the clinical significance of this variant is uncertain due to the absence of conclusive functional and genetic evidence.

NM_014991.6(WDFY3):c.3344C>A (p.Pro1115Gln)

Gene: WDFY3 (WD repeat and FYVE domain containing 3; minus strand). Cytogenetic location: 4q21.23.
Variant type: single nucleotide variant.
Coding change: c.3344C>A on transcript NM_014991.6 (MANE Select); coding-DNA position 3344, C replaced by A.
Protein change: p.Pro1115Gln; replaces proline 1115 with glutamine.
Molecular consequence: missense variant.
Genome position (GRCh38, 1-based): chr4:84,794,662, G>T on the plus strand (C>A on the coding strand, the complement: WDFY3 is on the minus strand). VCF-style: chr4-84794662-G-T. GRCh37 (hg19) VCF-style: chr4-85715815-G-T.
Other names: short protein forms P1115Q.
Identifiers: ClinVar variation 5001507 (VCV005001507.1).